The following is an entry in ClinVar:

ClinVar aggregate classification (germline): Uncertain significance (1 of 4 stars; one submission).

Conditions:
Cardiovascular phenotype. Identifiers: MedGen CN230736.

gnomAD v4.1: 2 of 1,561,992 alleles (0.00013%); highest among the groups gnomAD compares: Non-Finnish European, 0.00017%; no homozygotes.

Submission:

Ambry Genetics
Classification: Uncertain significance for Cardiovascular phenotype. Last evaluated: 2026-06-20. Review status: criteria provided, single submitter. Criteria: Ambry Variant Classification Scheme 2023. Collection method: clinical testing. Allele origin: germline.
Comment: The p.A658E variant (also known as c.1973C>A), located in coding exon 15 of the ENG gene, results from a C to A substitution at nucleotide position 1973. The alanine at codon 658 is replaced by glutamic acid, an amino acid with dissimilar properties. This amino acid position is conserved. In addition, the in silico prediction for this alteration is inconclusive. Based on the available evidence, the clinical significance of this variant remains unclear.

NM_001114753.3(ENG):c.1973C>A (p.Ala658Glu)

Gene: ENG (endoglin; minus strand). Cytogenetic location: 9q34.11.
Variant type: single nucleotide variant.
Coding change: c.1973C>A on transcript NM_001114753.3 (MANE Select); coding-DNA position 1973, C replaced by A.
Protein change: p.Ala658Glu; replaces alanine 658 with glutamic acid.
Molecular consequence: missense variant. On other transcripts: 3 prime UTR variant (1).
Genome position (GRCh38, 1-based): chr9:127,815,686, G>T on the plus strand (C>A on the coding strand, the complement: ENG is on the minus strand). VCF-style: chr9-127815686-G-T. GRCh37 (hg19) VCF-style: chr9-130577965-G-T.
Other names: c.*231C>A (NM_000118.4); c.1427C>A, p.Ala476Glu (NM_001278138.2); short protein forms A658E, A476E.
Identifiers: ClinVar variation 5035941 (VCV005035941.1).
Genomic context (GRCh38, chr9:127,815,686, plus strand): 5'-GCTCCCAGCTGGCGGCTGCTCAGTCTCTCCTGCTGGGCGAGCGCGGGGGGCCGGGGCTAT[G>T]CCATGCTGCTGGTGGAGCAGGGGGTGCTCTGGGTGCTCCCGATGCTGTGGTTGGTGCTGC-3'
Protein context (NP_001108225.1, residues 648-658): QSTPCSTSSM[Ala658Glu]